The following is an entry in ClinVar:

NM_182920.2(ADAMTS9):c.5782A>C (p.Thr1928Pro)

Gene: ADAMTS9 (ADAM metallopeptidase with thrombospondin type 1 motif 9; minus strand). Cytogenetic location: 3p14.1.
Variant type: single nucleotide variant.
Coding change: c.5782A>C on transcript NM_182920.2 (MANE Select); coding-DNA position 5782, A replaced by C.
Protein change: p.Thr1928Pro; replaces threonine 1928 with proline.
Molecular consequence: missense variant.
Genome position (GRCh38, 1-based): chr3:64,522,197, T>G on the plus strand (A>C on the coding strand, the complement: ADAMTS9 is on the minus strand). VCF-style: chr3-64522197-T-G. GRCh37 (hg19) VCF-style: chr3-64507873-T-G.
Other names: c.5698A>C, p.Thr1900Pro (NM_001318781.2); short protein forms T1928P, T1900P.
Identifiers: ClinVar variation 2031785 (VCV002031785.4), dbSNP rs2471195644, ClinGen allele CA353435960.

ClinVar aggregate classification (germline): Uncertain significance (1 of 4 stars; one submission).

Submission:

Labcorp Genetics (formerly Invitae), Labcorp
Classification: Uncertain significance. Last evaluated: 2022-09-22. Review status: criteria provided, single submitter. Criteria: Invitae Variant Classification Sherloc (09022015). Collection method: clinical testing. Allele origin: germline.
Comment: This variant has not been reported in the literature in individuals affected with ADAMTS9-related conditions. This variant is not present in population databases (gnomAD no frequency). This sequence change replaces threonine, which is neutral and polar, with proline, which is neutral and non-polar, at codon 1928 of the ADAMTS9 protein (p.Thr1928Pro). Algorithms developed to predict the effect of missense changes on protein structure and function are either unavailable or do not agree on the potential impact of this missense change (SIFT: "Deleterious"; PolyPhen-2: "Probably Damaging"; Align-GVGD: "Class C0"). In summary, the available evidence is currently insufficient to determine the role of this variant in disease. Therefore, it has been classified as a Variant of Uncertain Significance.